The following is an entry in ClinVar:

NM_001134363.3(RBM20):c.150A>T (p.Pro50=)

Gene: RBM20 (RNA binding motif protein 20; plus strand). Cytogenetic location: 10q25.2.
Variant type: single nucleotide variant.
Coding change: c.150A>T on transcript NM_001134363.3 (MANE Select); coding-DNA position 150, A replaced by T.
Protein change: p.Pro50=; no amino-acid change (proline 50 retained).
Molecular consequence: synonymous variant.
Genome position (GRCh38, 1-based): chr10:110,644,604, A>T. VCF-style: chr10-110644604-A-T. GRCh37 (hg19) VCF-style: chr10-112404362-A-T.
Other names: p.P50P:CCA>CCT.
Identifiers: ClinVar variation 43974 (VCV000043974.48), dbSNP rs376936285, ClinGen allele CA133276.

ClinVar aggregate classification (germline): Benign/Likely benign. Review status: criteria provided, multiple submitters, no conflicts (2 of 4 stars). 15 submissions from 15 submitters: Benign (5); Likely benign (7). 3 of the submissions do not count toward it. Last evaluated 2026-02-01.

Conditions:
Cardiovascular phenotype. Identifiers: MedGen CN230736.
Cardiomyopathy (CMYO). Also called: Cardiomyopathies. Identifiers: Orphanet 167848, MedGen C0878544, MONDO:0004994, HP:0001638. Inheritance: Various modes of inheritance.
Primary dilated cardiomyopathy (DCM). Also called: Dilated Cardiomyopathy. Identifiers: Orphanet 217604, MedGen C0007193, MeSH D002311, MONDO:0005021, HP:0001644. Inheritance: Various modes of inheritance.
Dilated cardiomyopathy 1DD (CMD1DD). Identifiers: Orphanet 154, MedGen C2750995, MONDO:0013168, OMIM 613172.

Allele frequency attached by ClinVar (database versions not stated): ExAC 0.00011; gnomAD exomes 0.00026; 1000 Genomes Project 0.00140; TOPMed 0.00210; gnomAD 0.00244.
gnomAD v4.1: 529 of 1,144,878 alleles (0.046%); highest among the groups gnomAD compares: African/African-American, 0.81%; 2 homozygotes.

Submissions (15):

Labcorp Genetics (formerly Invitae), Labcorp
Classification: Likely benign for Dilated cardiomyopathy 1DD. Last evaluated: 2026-02-01. Review status: criteria provided, single submitter. Criteria: Invitae Variant Classification Sherloc (09022015). Collection method: clinical testing. Allele origin: germline.

Molecular Diagnostic Laboratory for Inherited Cardiovascular Disease, Montreal Heart Institute
Classification: Likely benign. Last evaluated: 2025-04-09. Review status: criteria provided, single submitter. Criteria: ACMG Guidelines, 2015. Collection method: clinical testing. Allele origin: germline. Affected: no.

Blueprint Genetics
Classification: Likely benign. Last evaluated: 2024-10-09. Review status: criteria provided, single submitter. Criteria: ACMG Guidelines, 2015. Collection method: clinical testing. Allele origin: germline.

CeGaT Center for Human Genetics Tuebingen
Classification: Likely benign. Last evaluated: 2024-08-01. Review status: criteria provided, single submitter. Criteria: CeGaT Center For Human Genetics Tuebingen Variant Classification Criteria Version 2. Collection method: clinical testing. Allele origin: germline. Affected: yes. Observed: 1 variant allele.
Comment: RBM20: BP4, BP7, BS1

ARUP Laboratories, Molecular Genetics and Genomics, ARUP Laboratories
Classification: Benign for Dilated cardiomyopathy 1DD. Last evaluated: 2024-05-30. Review status: criteria provided, single submitter. Criteria: ARUP Molecular Germline Variant Investigation Process 2024. Collection method: clinical testing. Allele origin: germline.

Women's Health and Genetics/Laboratory Corporation of America, LabCorp
Classification: Benign. Last evaluated: 2022-03-19. Review status: criteria provided, single submitter. Criteria: LabCorp Variant Classification Summary - May 2015. Collection method: clinical testing. Allele origin: germline.

CHEO Genetics Diagnostic Laboratory, Children's Hospital of Eastern Ontario
Classification: Benign for Cardiomyopathy. Last evaluated: 2018-11-02. Review status: criteria provided, single submitter. Criteria: ACMG Guidelines, 2015. Collection method: clinical testing. Allele origin: germline.

Illumina Laboratory Services, Illumina
Classification: Benign for Dilated cardiomyopathy 1DD. Last evaluated: 2017-04-27. Review status: criteria provided, single submitter. Criteria: ICSL Variant Classification Criteria 13 December 2019. Collection method: clinical testing. Allele origin: germline.
Comment: This variant was observed as part of a predisposition screen in an ostensibly healthy population. A literature search was performed for the gene, cDNA change, and amino acid change (where applicable). No publications were found based on this search. Allele frequency data from public databases was too high to be consistent with this variant causing disease. Therefore, this variant is classified as benign.

Laboratory for Molecular Medicine, Mass General Brigham Personalized Medicine
Classification: Likely benign. Last evaluated: 2016-05-11. Review status: criteria provided, single submitter. Criteria: LMM Criteria. Collection method: clinical testing. Allele origin: germline. Observed: 2 variant alleles.
Comment: p.Pro50Pro in exon 1 of RBM20: This variant is not expected to have clinical sig nificance because it does not alter an amino acid residue and is not located wit hin the splice consensus sequence. It has been identified in 1/202 African chrom osomes by the Exome Aggregation Consortium (ExAC ; dbSNP rs376936285).

Ambry Genetics
Classification: Likely benign for Cardiovascular phenotype. Last evaluated: 2016-01-15. Review status: criteria provided, single submitter. Criteria: Ambry Variant Classification Scheme 2023. Collection method: clinical testing. Allele origin: germline.

GeneDx
Classification: Benign. Last evaluated: 2014-02-12. Review status: criteria provided, single submitter. Criteria: GeneDx Variant Classification (06012015). Collection method: clinical testing. Allele origin: germline. Affected: yes.
Comment: This variant is considered likely benign or benign based on one or more of the following criteria: it is a conservative change, it occurs at a poorly conserved position in the protein, it is predicted to be benign by multiple in silico algorithms, and/or has population frequency not consistent with disease.

Breakthrough Genomics
Classification: Likely benign. Review status: criteria provided, single submitter. Criteria: ACMG Guidelines, 2015. Collection method: not provided. Allele origin: germline. Inheritance: Autosomal dominant inheritance. Affected: yes.

Cohesion Phenomics
Classification: Benign for Dilated Cardiomyopathy. Last evaluated: 2022-09-27. Review status: no assertion criteria provided. Criteria: ACMG Guidelines, 2015. Collection method: clinical testing. Allele origin: germline. Affected: yes. Not counted in ClinVar's aggregate classification.

Clinical Genetics DNA and cytogenetics Diagnostics Lab, Erasmus MC, Erasmus Medical Center
Classification: Likely benign. Review status: no assertion criteria provided. Collection method: clinical testing. Allele origin: germline. Affected: yes. Study: VKGL Data-share Consensus. Not counted in ClinVar's aggregate classification.

Clinical Genetics, Academic Medical Center
Classification: Benign. Review status: no assertion criteria provided. Collection method: clinical testing. Allele origin: germline. Affected: yes. Study: VKGL Data-share Consensus. Not counted in ClinVar's aggregate classification.